The following is an entry in ClinVar:

ClinVar aggregate classification (germline): Uncertain significance. Review status: criteria provided, multiple submitters, no conflicts (2 of 4 stars). 3 submissions from 3 submitters: Uncertain significance (3). Last evaluated 2025-06-30.

Conditions:
Malignant hyperthermia, susceptibility to, 1 (MHS1). Also called: Anesthesia related hyperthermia; Malignant hyperpyrexia; Fulminating hyperpyrexia; Pharmacogenic myopathy; Malignant hyperthermia suceptibility 1; RYR1-Related Malignant Hyperthermia Susceptibility. Identifiers: Orphanet 423, MedGen C2930980, MONDO:0007783, OMIM 145600.
RYR1-related disorder. Also called: RYR1-related disorders; RYR1-related condition. Identifiers: MedGen CN239331.

Allele frequency attached by ClinVar (database versions not stated): gnomAD exomes below 0.00001; gnomAD 0.00002; TOPMed 0.00002; ESP Exome Variant Server 0.00008.
gnomAD v4.1: 4 of 1,613,662 alleles (0.00025%); highest among the groups gnomAD compares: Non-Finnish European, 0.00034%; no homozygotes.

Submissions (3):

Color Diagnostics, LLC DBA Color Health
Classification: Uncertain significance for Malignant hyperthermia, susceptibility to, 1. Last evaluated: 2025-06-30. Review status: criteria provided, single submitter. Criteria: ACMG Guidelines, 2015. Collection method: clinical testing. Allele origin: germline.
Comment: This missense variant replaces threonine with isoleucine at codon 1753 of the RYR1 protein. Computational prediction suggests that this variant may not impact protein structure and function. To our knowledge, functional studies have not been reported for this variant. This variant has not been reported in individuals affected with RYR1-related disorders in the literature. This variant has been identified in 2/245362 chromosomes in the general population by the Genome Aggregation Database (gnomAD). The available evidence is insufficient to determine the role of this variant in disease conclusively. Therefore, this variant is classified as a Variant of Uncertain Significance.

Labcorp Genetics (formerly Invitae), Labcorp
Classification: Uncertain significance for RYR1-related disorder. Last evaluated: 2024-12-11. Review status: criteria provided, single submitter. Criteria: Invitae Variant Classification Sherloc (09022015). Collection method: clinical testing. Allele origin: germline.
Comment: This sequence change replaces threonine, which is neutral and polar, with isoleucine, which is neutral and non-polar, at codon 1753 of the RYR1 protein (p.Thr1753Ile). This variant is present in population databases (rs376701953, gnomAD 0.002%). This variant has not been reported in the literature in individuals affected with RYR1-related conditions. ClinVar contains an entry for this variant (Variation ID: 2435523). Invitae Evidence Modeling of protein sequence and biophysical properties (such as structural, functional, and spatial information, amino acid conservation, physicochemical variation, residue mobility, and thermodynamic stability) indicates that this missense variant is not expected to disrupt RYR1 protein function with a negative predictive value of 80%. In summary, the available evidence is currently insufficient to determine the role of this variant in disease. Therefore, it has been classified as a Variant of Uncertain Significance.

Revvity Omics, Revvity
Classification: Uncertain significance. Last evaluated: 2019-02-14. Review status: criteria provided, single submitter. Criteria: ACMG Guidelines, 2015. Collection method: clinical testing. Allele origin: germline.

NM_000540.3(RYR1):c.5258C>T (p.Thr1753Ile)

Gene: RYR1 (ryanodine receptor 1; plus strand). Cytogenetic location: 19q13.2.
Variant type: single nucleotide variant.
Coding change: c.5258C>T on transcript NM_000540.3 (MANE Select); coding-DNA position 5258, C replaced by T.
Protein change: p.Thr1753Ile; replaces threonine 1753 with isoleucine.
Molecular consequence: missense variant.
Genome position (GRCh38, 1-based): chr19:38,485,913, C>T. VCF-style: chr19-38485913-C-T. GRCh37 (hg19) VCF-style: chr19-38976553-C-T.
Other names: c.5258C>T, p.Thr1753Ile (NM_001042723.2); short protein forms T1753I.
Identifiers: ClinVar variation 2435523 (VCV002435523.6), dbSNP rs376701953, ClinGen allele CA308093442.